The following is an entry in ClinVar:

NM_000037.4(ANK1):c.3154_3155del (p.Cys1052fs)

Gene: ANK1 (ankyrin 1; minus strand). Cytogenetic location: 8p11.21.
Variant type: Microsatellite.
Coding change: c.3154_3155del on transcript NM_000037.4 (MANE Select); coding-DNA positions 3154 to 3155, 2 bases deleted (TG; older notation c.3154_3155delTG).
Protein change: p.Cys1052fs; shifts the reading frame from cysteine 1052.
Molecular consequence: frameshift variant.
Genome position (GRCh38, 1-based): chr8:41,694,764-41,694,765, CA deleted on the plus strand (TG on the coding strand, the reverse complement: ANK1 is on the minus strand); deleting any 2 consecutive bases within chr8:41,694,764-41,694,768 gives the same sequence; the c. name uses the placement nearest the transcript's 3' end. VCF-style (leftmost placement, unchanged base first): chr8-41694763-GCA-G. GRCh37 (hg19) VCF-style: chr8-41552281-GCA-G.
Other names: c.3277_3278del, p.Cys1093fs (NM_001142446.2); c.3154_3155del, p.Cys1052fs (NM_020475.3, NM_020476.3, NM_020477.3); short protein forms C1052fs, C1093fs.
Identifiers: ClinVar variation 3655047 (VCV003655047.2).

ClinVar aggregate classification (germline): Pathogenic (1 of 4 stars; one submission).

Submission:

Labcorp Genetics (formerly Invitae), Labcorp
Classification: Pathogenic. Last evaluated: 2024-05-29. Review status: criteria provided, single submitter. Criteria: Invitae Variant Classification Sherloc (09022015). Collection method: clinical testing. Allele origin: germline.
Comment: This sequence change creates a premature translational stop signal (p.Cys1052Profs*64) in the ANK1 gene. It is expected to result in an absent or disrupted protein product. Loss-of-function variants in ANK1 are known to be pathogenic (PMID: 8640229). This variant is not present in population databases (gnomAD no frequency). This variant has not been reported in the literature in individuals affected with ANK1-related conditions. For these reasons, this variant has been classified as Pathogenic.

Literature cited by the submitters: PubMed 8640229.